The following is an entry in ClinVar:

NM_005559.4(LAMA1):c.3309C>A (p.Asn1103Lys)

Gene: LAMA1 (laminin subunit alpha 1; minus strand). Cytogenetic location: 18p11.31.
Variant type: single nucleotide variant.
Coding change: c.3309C>A on transcript NM_005559.4 (MANE Select); coding-DNA position 3309, C replaced by A.
Protein change: p.Asn1103Lys; replaces asparagine 1103 with lysine.
Molecular consequence: missense variant.
Genome position (GRCh38, 1-based): chr18:7,013,869, G>T on the plus strand (C>A on the coding strand, the complement: LAMA1 is on the minus strand). VCF-style: chr18-7013869-G-T. GRCh37 (hg19) VCF-style: chr18-7013868-G-T.
Other names: short protein forms N1103K.
Identifiers: ClinVar variation 3251771 (VCV003251771.1), dbSNP rs1419218341.

ClinVar aggregate classification (germline): Uncertain significance (1 of 4 stars; one submission).

Allele frequency attached by ClinVar (database versions not stated): gnomAD 0.00002; TOPMed 0.00002.
gnomAD v4.1: 3 of 1,612,038 alleles (0.00019%); highest among the groups gnomAD compares: African/African-American, 0.004%; no homozygotes.

Submission:

Women's Health and Genetics/Laboratory Corporation of America, LabCorp
Classification: Uncertain significance. Last evaluated: 2024-04-23. Review status: criteria provided, single submitter. Criteria: LabCorp Variant Classification Summary - May 2015. Collection method: clinical testing. Allele origin: germline.
Comment: Variant summary: LAMA1 c.3309C>A (p.Asn1103Lys) results in a non-conservative amino acid change located in the Laminin-type EGF domain (IPR002049) of the encoded protein sequence. Three of five in-silico tools predict a benign effect of the variant on protein function. The frequency data for this variant in gnomAD is considered unreliable, as metrics indicate poor data quality at this position. To our knowledge, no occurrence of c.3309C>A in individuals affected with Ataxia-Intellectual Disability-Oculomotor Apraxia-Cerebellar Cysts Syndrome and no experimental evidence demonstrating its impact on protein function have been reported. No submitters have cited clinical-significance assessments for this variant to ClinVar. Based on the evidence outlined above, the variant was classified as uncertain significance.